The following is an entry in ClinVar:

ClinVar aggregate classification (germline): Likely benign. Review status: criteria provided, multiple submitters, no conflicts (2 of 4 stars). 3 submissions from 3 submitters: Likely benign (2). 1 of the submissions does not count toward it. Last evaluated 2018-08-18.

Conditions:
ASTN2-related disorder. Also called: ASTN2-related condition.

Allele frequency attached by ClinVar (database versions not stated): gnomAD exomes 0.00009 and 0.00023; ExAC 0.00029; ESP Exome Variant Server 0.00069; TOPMed 0.00110; gnomAD 0.00112 and 0.00118; 1000 Genomes Project 0.00140; 1000 Genomes Project 30x 0.00156.
gnomAD v4.1: 327 of 1,614,156 alleles (0.02%); highest among the groups gnomAD compares: African/African-American, 0.36%; no homozygotes.

Submissions (3):

Labcorp Genetics (formerly Invitae), Labcorp
Classification: Likely benign. Last evaluated: 2018-08-18. Review status: criteria provided, single submitter. Criteria: Invitae Variant Classification Sherloc (09022015). Collection method: clinical testing. Allele origin: germline.

Breakthrough Genomics
Classification: Likely benign. Review status: criteria provided, single submitter. Criteria: ACMG Guidelines, 2015. Collection method: not provided. Allele origin: germline. Inheritance: Unknown mechanism. Affected: yes.

PreventionGenetics, part of Exact Sciences
Classification: Likely benign for ASTN2-related condition. Last evaluated: 2023-09-25. Review status: no assertion criteria provided. Collection method: clinical testing. Allele origin: germline. Not counted in ClinVar's aggregate classification.
Comment: This variant is classified as likely benign based on ACMG/AMP sequence variant interpretation guidelines (Richards et al. 2015 PMID: 25741868, with internal and published modifications).

NM_001365068.1(ASTN2):c.3863G>T (p.Ser1288Ile)

Gene: ASTN2 (astrotactin 2; minus strand). Cytogenetic location: 9q33.1.
Variant type: single nucleotide variant.
Coding change: c.3863G>T on transcript NM_001365068.1 (MANE Select); coding-DNA position 3863, G replaced by T.
Protein change: p.Ser1288Ile; replaces serine 1288 with isoleucine.
Molecular consequence: missense variant.
Genome position (GRCh38, 1-based): chr9:116,426,008, C>A on the plus strand (G>T on the coding strand, the complement: ASTN2 is on the minus strand). VCF-style: chr9-116426008-C-A. GRCh37 (hg19) VCF-style: chr9-119188287-C-A.
Other names: c.1019G>T, p.Ser340Ile (NM_001184734.1, NM_198187.3, NM_198188.2); c.3851G>T, p.Ser1284Ile (NM_001365069.1); c.3710G>T, p.Ser1237Ile (NM_014010.5); c.1166G>T, p.Ser389Ile (NM_198186.3); short protein forms S1288I, S389I, S340I, S1237I, S1284I.
Identifiers: ClinVar variation 709263 (VCV000709263.6), dbSNP rs77730748, ClinGen allele CA5210554.